The following is an entry in ClinVar:

ClinVar aggregate classification (germline): Likely pathogenic; drug response. Review status: reviewed by expert panel (3 of 4 stars). 18 submissions from 11 submitters: Likely pathogenic (1). 10 of the submissions do not count toward it. Last evaluated 2025-08-01.

Conditions:
RYR1-related disorder. Also called: RYR1-related condition; RYR1-related disorders. Identifiers: MedGen CN239331.
Malignant hyperthermia, susceptibility to, 1 (MHS1). Also called: RYR1-Related Malignant Hyperthermia Susceptibility; Anesthesia related hyperthermia; Malignant hyperpyrexia; Fulminating hyperpyrexia; Pharmacogenic myopathy; Malignant hyperthermia suceptibility 1. Identifiers: Orphanet 423, MedGen C2930980, MONDO:0007783, OMIM 145600.
Congenital multicore myopathy with external ophthalmoplegia (CMYO1B). Also called: MULTICORE MYOPATHY; Minicore myopathy with external ophthalmoplegia; MULTIMINICORE DISEASE WITH EXTERNAL OPHTHALMOPLEGIA; Congenital myopathy 1B, autosomal recessive; Minicore myopathy. Identifiers: Orphanet 598, Orphanet 98905, MedGen C1850674, MONDO:0009712, OMIM 255320, HP:0003789.
desflurane response - Toxicity.
enflurane response - Toxicity.
succinylcholine response - Toxicity.
methoxyflurane response - Toxicity.
sevoflurane response - Toxicity.
halothane response - Toxicity.
isoflurane response - Toxicity.

Submissions (18):

ClinGen Malignant Hyperthermia Susceptibility Variant Curation Expert Panel, ClinGen
Classification: Likely pathogenic for Malignant hyperthermia, susceptibility to, 1. Last evaluated: 2025-08-01. Review status: reviewed by expert panel. Criteria: ClinGen MHS ACMG Specifications V2. Collection method: curation. Allele origin: germline. Inheritance: Autosomal dominant inheritance.
Comment: This pathogenicity assessment is relevant only for malignant hyperthermia susceptibility (MHS) inherited in an autosomal dominant pattern. Variants in RYR1 can also cause other myopathies inherited in an autosomal dominant pattern or in an autosomal recessive pattern. Some of these disorders may predispose individuals to malignant hyperthermia. RYR1 variants may also contribute to a malignant hyperthermia reaction in combination with other genetic and non-genetic factors and the clinician needs to consider such factors in making management decisions. This sequence variant predicts a deletion of glutamine at codon 2348 of the RYR1 protein, p.(Glu2348del). This variant was not present in a large population database (gnomAD) at the time this variant was interpreted. This variant has been reported in four individuals with a personal or family history of an MH episode and a positive in vitro contracture test (IVCT) or caffeine halothane contracture test (CHCT) result (if the proband was unavailable for testing, a positive diagnostic test result in a mutation-positive relative was counted), PS4_Moderate (PMID: 11389482, 23558838, 27857962). A functional study in HEK293 cells showed an increased sensitivity to RYR1 agonists, PS3_Moderate (PMID: 27857962). This variant resides in a region of RYR1 considered to be a hotspot for pathogenic variants that contribute to MHS, PM1 (PMID: 21118704). This variant segregates with MHS in three individuals, PP1 (PMID: 11389482). No REVEL score is available for this variant. This variant has been classified as Likely Pathogenic. Criteria implemented: PS3_Moderate, PS4_Moderate, PM1, PP1.

ClinPGx
Classification: drug response for isoflurane response - Toxicity. Last evaluated: 2021-03-24. Review status: reviewed by expert panel. Criteria: Pharmacogenomics knowledge for personalized medicine. Collection method: curation. Allele origin: germline. Affected: yes.
Comment: PharmGKB Level of Evidence 1A: Level 1A clinical annotations describe variant-drug combinations that have variant-specific prescribing guidance available in a current clinical guideline annotation or an FDA-approved drug label annotation. Annotations of drug labels or clinical guidelines must give prescribing guidance for specific variants (e.g. CYP2C9*3, HLA-B*57:01) or provide mapping from defined allele functions to diplotypes and phenotypes to be used as supporting evidence for a level 1A clinical annotation. Level 1A clinical annotations must also be supported by at least one publication in addition to a clinical guideline or drug label with variant-specific prescribing guidance.

Drug is not necessarily used to treat response condition

ClinPGx
Classification: drug response for methoxyflurane response - Toxicity. Last evaluated: 2021-03-24. Review status: reviewed by expert panel. Criteria: Pharmacogenomics knowledge for personalized medicine. Collection method: curation. Allele origin: germline. Affected: yes.
Comment: the same text as in the submission from ClinPGx above.

ClinPGx
Classification: drug response for sevoflurane response - Toxicity. Last evaluated: 2021-03-24. Review status: reviewed by expert panel. Criteria: Pharmacogenomics knowledge for personalized medicine. Collection method: curation. Allele origin: germline. Affected: yes.
Comment: the same text as in the submission from ClinPGx above.

ClinPGx
Classification: drug response for succinylcholine response - Toxicity. Last evaluated: 2021-03-24. Review status: reviewed by expert panel. Criteria: Pharmacogenomics knowledge for personalized medicine. Collection method: curation. Allele origin: germline. Affected: yes.
Comment: the same text as in the submission from ClinPGx above.

ClinPGx
Classification: drug response for desflurane response - Toxicity. Last evaluated: 2021-03-24. Review status: reviewed by expert panel. Criteria: Pharmacogenomics knowledge for personalized medicine. Collection method: curation. Allele origin: germline. Affected: yes.
Comment: the same text as in the submission from ClinPGx above.

ClinPGx
Classification: drug response for enflurane response - Toxicity. Last evaluated: 2021-03-24. Review status: reviewed by expert panel. Criteria: Pharmacogenomics knowledge for personalized medicine. Collection method: curation. Allele origin: germline. Affected: yes.
Comment: the same text as in the submission from ClinPGx above.

ClinPGx
Classification: drug response for halothane response - Toxicity. Last evaluated: 2021-03-24. Review status: reviewed by expert panel. Criteria: Pharmacogenomics knowledge for personalized medicine. Collection method: curation. Allele origin: germline. Affected: yes.
Comment: the same text as in the submission from ClinPGx above.

GeneDx
Classification: Likely pathogenic. Last evaluated: 2025-01-03. Review status: criteria provided, single submitter. Criteria: GeneDx Variant Classification Process June 2021. Collection method: clinical testing. Allele origin: germline. Affected: yes. Not counted in ClinVar's aggregate classification.
Comment: Not observed at significant frequency in large population cohorts (gnomAD); In-frame deletion of 1 amino acid in a non-repeat region; Published functional studies suggest that the variant results in increased hypersensitive channel leading to higher calcium release in response to agonist compared to wild type (PMID: 27857962); Observed in homozygous state in fetuses with akinesia and multiple contractures in the literature and not observed in homozygous state in controls (PMID: 25476234, 33820833); This variant is associated with the following publications: (PMID: 37937776, 28687594, 27857962, 12668474, 33767344, 33820833, 25476234, 11389482)

Labcorp Genetics (formerly Invitae), Labcorp
Classification: Pathogenic for RYR1-related disorder. Last evaluated: 2022-09-27. Review status: criteria provided, single submitter. Criteria: Invitae Variant Classification Sherloc (09022015). Collection method: clinical testing. Allele origin: germline. Not counted in ClinVar's aggregate classification.
Comment: For these reasons, this variant has been classified as Pathogenic. Experimental studies have shown that this variant affects RYR1 function (PMID: 27857962, 28687594). Algorithms developed to predict the effect of variants on protein structure and function are not available or were not evaluated for this variant. ClinVar contains an entry for this variant (Variation ID: 133180). This variant is also known as E2347del. This variant has been observed in individual(s) with autosomal dominant malignant hyperthermia susceptibility (PMID: 11389482, 27857962). It has also been observed to segregate with disease in related individuals. This variant has been reported in individual(s) with autosomal recessive congenital fiber type disproportion (PMID: 25476234); however, the role of the variant in this condition is currently unclear. This variant is present in population databases (rs758046764, gnomAD 0.0009%). This variant, c.7042_7044del, results in the deletion of 1 amino acid(s) of the RYR1 protein (p.Glu2348del), but otherwise preserves the integrity of the reading frame.

AiLife Diagnostics
Classification: Likely pathogenic. Last evaluated: 2021-11-04. Review status: criteria provided, single submitter. Criteria: ACMG Guidelines, 2015. Collection method: clinical testing. Allele origin: germline. Affected: yes. Observed: 1 variant allele. Not counted in ClinVar's aggregate classification.

Blueprint Genetics
Classification: Pathogenic for RYR1-related disorders. Last evaluated: 2019-12-17. Review status: criteria provided, single submitter. Criteria: ACMG Guidelines, 2015. Collection method: clinical testing. Allele origin: germline. Affected: yes. Observed: 2 variant alleles. Not counted in ClinVar's aggregate classification.

PreventionGenetics, part of Exact Sciences
Classification: Pathogenic. Last evaluated: 2018-07-18. Review status: criteria provided, single submitter. Criteria: ACMG Guidelines, 2015. Collection method: clinical testing. Allele origin: germline. Not counted in ClinVar's aggregate classification.

Clinical Genetics Service, Universitary Hospital 12 de Octubre
Classification: Pathogenic for Malignant hyperthermia, susceptibility to, 1. Review status: criteria provided, single submitter. Criteria: ACMG Guidelines, 2015. Collection method: clinical testing. Allele origin: germline. Affected: yes. Not counted in ClinVar's aggregate classification.

Juno Genomics, Hangzhou Juno Genomics, Inc
Classification: Likely pathogenic for Malignant hyperthermia, susceptibility to, 1. Review status: criteria provided, single submitter. Criteria: ACMG Guidelines, 2015. Collection method: clinical testing. Allele origin: germline. Not counted in ClinVar's aggregate classification.
Comment: Located in a mutational hot spot and/or critical and well-established functional domain without benign variation.;Well-established in vitro or in vivo functional studies supportive of a damaging effect on the gene or gene product.;The prevalence of the variant in affected individuals is significantly increased compared to the prevalence in controls.;Co-segregation with disease in multiple affected family members.

OMIM
Classification: Pathogenic for CONGENITAL MYOPATHY 1B, AUTOSOMAL RECESSIVE. Last evaluated: 2014-12-05. Review status: no assertion criteria provided. Collection method: literature only. Allele origin: germline. Not counted in ClinVar's aggregate classification.

OMIM
Classification: risk factor for MALIGNANT HYPERTHERMIA, SUSCEPTIBILITY TO, 1. Last evaluated: 2001-07-01. Review status: no assertion criteria provided. Collection method: literature only. Allele origin: germline. Not counted in ClinVar's aggregate classification.

RYR1 database
No classification provided. Review status: no classification provided. Collection method: not provided. Allele origin: unknown. Not counted in ClinVar's aggregate classification.

Literature cited by the submitters: PubMed 11389482 (cited by 4 submitters); PubMed 27857962 (cited by 3 submitters); PubMed 28687594 (cited by Labcorp Genetics (formerly Invitae), Labcorp and AiLife Diagnostics); PubMed 25476234 (cited by 3 submitters).

NM_000540.3(RYR1):c.7039GAG[1] (p.Glu2348del)

Gene: RYR1 (ryanodine receptor 1; plus strand). Cytogenetic location: 19q13.2.
Variant type: Microsatellite.
Coding change: c.7039GAG[1] on transcript NM_000540.3 (MANE Select); one copy of the 3-base unit GAG starting at c.7039; the reference has two copies in a row; one copy, 3 bases deleted; also written c.7042_7044del.
Protein change: p.Glu2348del; deletes glutamic acid 2348.
Molecular consequence: inframe deletion.
Genome position (GRCh38, 1-based): chr19:38,499,649-38,499,651, GAG deleted; deleting any 3 consecutive bases within chr19:38,499,645-38,499,651 gives the same sequence; the position shown is the placement nearest the transcript's 3' end. VCF-style (leftmost placement, unchanged base first): chr19-38499644-TGGA-T. GRCh37 (hg19) VCF-style: chr19-38990284-TGGA-T.
Other names: E2347del; NM_001042723.2(RYR1):c.7039_7041GAG[1]; p.Glu2348del; c.7042_7044delGAG (NM_000540.2); c.7039GAG[1], p.Glu2348del (NM_001042723.2); c.7042_7044del (NM_000540.3); c.7038_7040del (NM_000540.2); short protein forms E2348del.
Identifiers: ClinVar variation 133180 (VCV000133180.27), dbSNP rs121918596, ClinGen allele CA024679.